The following is an entry in ClinVar:

ClinVar aggregate classification (germline): Pathogenic (1 of 4 stars; one submission).

Allele frequency attached by ClinVar (database versions not stated): gnomAD exomes below 0.00001.

Submission:

GeneDx
Classification: Pathogenic. Last evaluated: 2025-01-10. Review status: criteria provided, single submitter. Criteria: GeneDx Variant Classification Process June 2021. Collection method: clinical testing. Allele origin: germline. Affected: yes.
Comment: Nonsense variant predicted to result in protein truncation or nonsense mediated decay in a gene for which loss of function is a known mechanism of disease; Not observed at significant frequency in large population cohorts (gnomAD); This variant is associated with the following publications: (PMID: 34113010)

NM_016148.5(SHANK1):c.1198C>T (p.Arg400Ter)

Gene: SHANK1 (SH3 and multiple ankyrin repeat domains 1; minus strand). Cytogenetic location: 19q13.33.
Variant type: single nucleotide variant.
Coding change: c.1198C>T on transcript NM_016148.5 (MANE Select); coding-DNA position 1198, C replaced by T.
Protein change: p.Arg400Ter; replaces arginine 400 with a stop codon.
Molecular consequence: nonsense.
Genome position (GRCh38, 1-based): chr19:50,704,144, G>A on the plus strand (C>T on the coding strand, the complement: SHANK1 is on the minus strand). VCF-style: chr19-50704144-G-A. GRCh37 (hg19) VCF-style: chr19-51207401-G-A.
Other names: short protein forms R400*.
Identifiers: ClinVar variation 1676868 (VCV001676868.3), dbSNP rs2123178553, ClinGen allele CA407036194.